The following is an entry in ClinVar:

NM_003060.4(SLC22A5):c.94A>C (p.Asn32His)

Gene: SLC22A5 (solute carrier family 22 member 5; plus strand). Cytogenetic location: 5q31.1.
Variant type: single nucleotide variant.
Coding change: c.94A>C on transcript NM_003060.4 (MANE Select); coding-DNA position 94, A replaced by C.
Protein change: p.Asn32His; replaces asparagine 32 with histidine.
Molecular consequence: missense variant.
Genome position (GRCh38, 1-based): chr5:132,370,066, A>C. VCF-style: chr5-132370066-A-C. GRCh37 (hg19) VCF-style: chr5-131705758-A-C.
Other names: c.94A>C, p.Asn32His (NM_001308122.2); short protein forms N32H.
Identifiers: ClinVar variation 167695 (VCV000167695.8), dbSNP rs727504158, ClinGen allele CA234948.
Genomic context (GRCh38, chr5:132,370,066, plus strand): 5'-GGCGAGTGGGGGCCCTTCCAGCGCCTCATCTTCTTCCTGCTCAGCGCCAGCATCATCCCC[A>C]ATGGCTTCACCGGCCTGTCCTCCGTGTTCCTGATAGCGACCCCGGAGCACCGCTGCCGGG-3'
Protein context (NP_003051.1, residues 22-42): FFLLSASIIP[Asn32His]GFTGLSSVFL

ClinVar aggregate classification (germline): Conflicting classifications of pathogenicity. Review status: criteria provided, conflicting classifications (1 of 4 stars). 2 submissions from 2 submitters: Likely pathogenic (1); Uncertain significance (1). Last evaluated 2024-07-08.

Conditions:
Renal carnitine transport defect (CDSP). Also called: CARNITINE DEFICIENCY, SYSTEMIC, DUE TO DEFECT IN RENAL REABSORPTION OF CARNITINE; CARNITINE TRANSPORTER, PLASMA-MEMBRANE, DEFICIENCY OF; CARNITINE UPTAKE DEFECT; Systemic primary carnitine deficiency; Systemic primary carnitine deficiency disease; Carnitine transporter deficiency. Identifiers: Orphanet 158, MedGen C0342788, MONDO:0008919, OMIM 212140.

Submissions (2):

Labcorp Genetics (formerly Invitae), Labcorp
Classification: Likely pathogenic for Renal carnitine transport defect. Last evaluated: 2024-07-08. Review status: criteria provided, single submitter. Criteria: Invitae Variant Classification Sherloc (09022015). Collection method: clinical testing. Allele origin: germline.
Comment: This sequence change replaces asparagine, which is neutral and polar, with histidine, which is basic and polar, at codon 32 of the SLC22A5 protein (p.Asn32His). This variant is not present in population databases (gnomAD no frequency). This variant has not been reported in the literature in individuals affected with SLC22A5-related conditions. ClinVar contains an entry for this variant (Variation ID: 167695). Advanced modeling of protein sequence and biophysical properties (such as structural, functional, and spatial information, amino acid conservation, physicochemical variation, residue mobility, and thermodynamic stability) performed at Invitae indicates that this missense variant is expected to disrupt SLC22A5 protein function with a positive predictive value of 95%. This variant disrupts the p.Asn32 amino acid residue in SLC22A5. Other variant(s) that disrupt this residue have been determined to be pathogenic (PMID: 12210323, 23653224, 23963628, 25665836). This suggests that this residue is clinically significant, and that variants that disrupt this residue are likely to be disease-causing. In summary, the currently available evidence indicates that the variant is pathogenic, but additional data are needed to prove that conclusively. Therefore, this variant has been classified as Likely Pathogenic.

Eurofins Ntd Llc (ga)
Classification: Uncertain significance. Last evaluated: 2014-01-14. Review status: criteria provided, single submitter. Criteria: EGL Classification Definitions 2015. Collection method: clinical testing. Allele origin: germline. Observed: 1 variant allele, 1 heterozygote.

Literature cited by the submitters: PubMed 12210323 (cited by Labcorp Genetics (formerly Invitae), Labcorp); PubMed 23653224 (cited by Labcorp Genetics (formerly Invitae), Labcorp); PubMed 23963628 (cited by Labcorp Genetics (formerly Invitae), Labcorp); PubMed 25665836 (cited by Labcorp Genetics (formerly Invitae), Labcorp).